The following is an entry in ClinVar:

ClinVar aggregate classification (germline): Pathogenic/Likely pathogenic. Review status: criteria provided, multiple submitters, no conflicts (2 of 4 stars). 2 submissions from 2 submitters: Pathogenic (1); Likely pathogenic (1). Last evaluated 2023-04-03.

Conditions:
Bloom syndrome (BLM). Also called: Bloom-Torre-Machacek syndrome. Identifiers: Orphanet 125, MedGen C0005859, MONDO:0008876, OMIM 210900.

Submissions (2):

Baylor Genetics
Classification: Likely pathogenic for Bloom syndrome. Last evaluated: 2023-04-03. Review status: criteria provided, single submitter. Criteria: ACMG Guidelines, 2015. Collection method: clinical testing. Allele origin: unknown.

Labcorp Genetics (formerly Invitae), Labcorp
Classification: Pathogenic for Bloom syndrome. Last evaluated: 2020-10-09. Review status: criteria provided, single submitter. Criteria: Invitae Variant Classification Sherloc (09022015). Collection method: clinical testing. Allele origin: germline.
Comment: For these reasons, this variant has been classified as Pathogenic. Loss-of-function variants in BLM are known to be pathogenic (PMID: 17407155). This variant has not been reported in the literature in individuals with BLM-related conditions. This variant is not present in population databases (ExAC no frequency). This sequence change creates a premature translational stop signal (p.Leu496Tyrfs*6) in the BLM gene. It is expected to result in an absent or disrupted protein product.

Literature cited by the submitters: PubMed 17407155 (cited by Labcorp Genetics (formerly Invitae), Labcorp).

NM_000057.4(BLM):c.1487del (p.Leu496fs)

Gene: BLM (BLM RecQ like helicase; plus strand). Cytogenetic location: 15q26.1.
Variant type: Deletion.
Coding change: c.1487del on transcript NM_000057.4 (MANE Select); coding-DNA position 1487, one base deleted (T; older notation c.1487delT).
Protein change: p.Leu496fs; shifts the reading frame from leucine 496.
Molecular consequence: frameshift variant.
Genome position (GRCh38, 1-based): chr15:90,760,860, T deleted; the last of 3 consecutive T bases (chr15:90,760,858-90,760,860); deleting any one gives the same sequence. VCF-style (leftmost placement, unchanged base first): chr15-90760857-AT-A. GRCh37 (hg19) VCF-style: chr15-91304087-AT-A.
Other names: c.1487del, p.Leu496fs (NM_001287246.2, NM_001287247.2); c.362del, p.Leu121fs (NM_001287248.2); short protein forms L121fs, L496fs.
Identifiers: ClinVar variation 1073856 (VCV001073856.8), dbSNP rs2151158316, ClinGen allele CA2499223151.